The following is an entry in ClinVar:

ClinVar aggregate classification (germline): Pathogenic. Review status: criteria provided, multiple submitters, no conflicts (2 of 4 stars). 2 submissions from 2 submitters: Pathogenic (2). Last evaluated 2023-03-28.

Conditions:
Peroxisome biogenesis disorder 3A (Zellweger). Also called: PEROXISOMAL BIOGENESIS DISORDER 3A (ZELLWEGER); Peroxisome biogenesis disorder 3A. Identifiers: Orphanet 912, MedGen C3553929, MONDO:0013927, OMIM 614859.

Submissions (2):

Baylor Genetics
Classification: Pathogenic for Peroxisome biogenesis disorder 3A (Zellweger). Last evaluated: 2023-03-28. Review status: criteria provided, single submitter. Criteria: ACMG Guidelines, 2015. Collection method: clinical testing. Allele origin: unknown.

Labcorp Genetics (formerly Invitae), Labcorp
Classification: Pathogenic for Peroxisome biogenesis disorder 3A (Zellweger). Last evaluated: 2022-03-08. Review status: criteria provided, single submitter. Criteria: Invitae Variant Classification Sherloc (09022015). Collection method: clinical testing. Allele origin: germline.
Comment: This sequence change creates a premature translational stop signal (p.Leu296Profs*5) in the PEX12 gene. While this is not anticipated to result in nonsense mediated decay, it is expected to disrupt the last 64 amino acid(s) of the PEX12 protein. This variant is not present in population databases (gnomAD no frequency). This premature translational stop signal has been observed in individual(s) with Zellweger syndrome (PMID: 15542397). This variant disrupts a region of the PEX12 protein in which other variant(s) (p.Leu297Thrfs*12) have been determined to be pathogenic (PMID: 9792857, 14571262, 25287621, 26094004). This suggests that this is a clinically significant region of the protein, and that variants that disrupt it are likely to be disease-causing. For these reasons, this variant has been classified as Pathogenic.

Literature cited by the submitters: PubMed 15542397 (cited by Labcorp Genetics (formerly Invitae), Labcorp); PubMed 9792857 (cited by Labcorp Genetics (formerly Invitae), Labcorp); PubMed 14571262 (cited by Labcorp Genetics (formerly Invitae), Labcorp); PubMed 25287621 (cited by Labcorp Genetics (formerly Invitae), Labcorp); PubMed 26094004 (cited by Labcorp Genetics (formerly Invitae), Labcorp).

NM_000286.3(PEX12):c.887del (p.Leu296fs)

Gene: PEX12 (peroxisomal biogenesis factor 12; minus strand). Cytogenetic location: 17q12.
Variant type: Deletion.
Coding change: c.887del on transcript NM_000286.3 (MANE Select); coding-DNA position 887, one base deleted (T; older notation c.887delT).
Protein change: p.Leu296fs; shifts the reading frame from leucine 296.
Molecular consequence: frameshift variant.
Genome position (GRCh38, 1-based): chr17:35,575,975, A deleted on the plus strand (T on the coding strand, the reverse complement: PEX12 is on the minus strand). VCF-style (leftmost placement, unchanged base first): chr17-35575974-GA-G. GRCh37 (hg19) VCF-style: chr17-33902993-GA-G.
Other names: short protein forms L296fs.
Identifiers: ClinVar variation 2138007 (VCV002138007.5), dbSNP rs61752111, ClinGen allele CA290068226.